The following is an entry in ClinVar:

ClinVar aggregate classification (germline): Conflicting classifications of pathogenicity. Review status: criteria provided, conflicting classifications (1 of 4 stars). 3 submissions from 3 submitters: Uncertain significance (2); Likely benign (1). Last evaluated 2025-05-15.

Conditions:
Inborn genetic diseases. Identifiers: MedGen C0950123, MeSH D030342.

Allele frequency attached by ClinVar (database versions not stated): gnomAD 0.00002 and 0.00005; TOPMed 0.00003; gnomAD exomes 0.00005 and 0.00013; ExAC 0.00020; 1000 Genomes Project 0.00060; 1000 Genomes Project 30x 0.00078.
gnomAD v4.1: 84 of 1,587,054 alleles (0.0053%); highest among the groups gnomAD compares: South Asian, 0.079%; no homozygotes.

Submissions (3):

Ambry Genetics
Classification: Uncertain significance for Inborn genetic diseases. Last evaluated: 2025-05-15. Review status: criteria provided, single submitter. Criteria: Ambry Variant Classification Scheme 2023. Collection method: clinical testing. Allele origin: germline.

Labcorp Genetics (formerly Invitae), Labcorp
Classification: Uncertain significance. Last evaluated: 2025-04-28. Review status: criteria provided, single submitter. Criteria: Invitae Variant Classification Sherloc (09022015). Collection method: clinical testing. Allele origin: germline.
Comment: This sequence change replaces asparagine, which is neutral and polar, with aspartic acid, which is acidic and polar, at codon 30 of the NLRP1 protein (p.Asn30Asp). This variant is present in population databases (rs565040043, gnomAD 0.09%). This variant has not been reported in the literature in individuals affected with NLRP1-related conditions. ClinVar contains an entry for this variant (Variation ID: 1443291). An algorithm developed to predict the effect of missense changes on protein structure and function outputs the following: PolyPhen-2: "Benign". The aspartic acid amino acid residue is found in multiple mammalian species, which suggests that this missense change does not adversely affect protein function. In summary, the available evidence is currently insufficient to determine the role of this variant in disease. Therefore, it has been classified as a Variant of Uncertain Significance.

Blueprint Genetics
Classification: Likely benign. Last evaluated: 2024-09-24. Review status: criteria provided, single submitter. Criteria: ACMG Guidelines, 2015. Collection method: clinical testing. Allele origin: germline.

NM_033004.4(NLRP1):c.88A>G (p.Asn30Asp)

Genes: NLRP1 (NLR family pyrin domain containing 1; minus strand), LOC126862475 (CDK7 strongly-dependent group 2 enhancer GRCh37_chr17:5487167-5488366; plus strand). Cytogenetic location: 17p13.2.
Variant type: single nucleotide variant.
Coding change: c.88A>G on transcript NM_033004.4 (MANE Select); coding-DNA position 88, A replaced by G.
Protein change: p.Asn30Asp; replaces asparagine 30 with aspartic acid.
Molecular consequence: missense variant.
Genome position (GRCh38, 1-based): chr17:5,583,870, T>C on the plus strand (A>G on the coding strand, the complement: NLRP1 is on the minus strand). VCF-style: chr17-5583870-T-C. GRCh37 (hg19) VCF-style: chr17-5487190-T-C.
Other names: c.88A>G (NM_033004.3); c.88A>G, p.Asn30Asp (NM_001033053.3, NM_014922.5, NM_033006.4 and 1 more transcripts); short protein forms N30D.
Identifiers: ClinVar variation 1443291 (VCV001443291.8), dbSNP rs565040043, ClinGen allele CA8327658.